The following is an entry in ClinVar:

ClinVar aggregate classification (germline): Uncertain significance (1 of 4 stars; one submission).

Conditions:
Hereditary cancer-predisposing syndrome. Also called: Neoplastic Syndromes, Hereditary; Tumor predisposition; Hereditary Cancer Syndrome; Hereditary neoplastic syndrome. Identifiers: Orphanet 140162, MedGen C0027672, MeSH D009386, MONDO:0015356.

Submission:

Ambry Genetics
Classification: Uncertain significance for Hereditary cancer-predisposing syndrome. Last evaluated: 2026-03-21. Review status: criteria provided, single submitter. Criteria: Ambry Variant Classification Scheme 2023. Collection method: clinical testing. Allele origin: germline.
Comment: The p.G571C variant (also known as c.1711G>T), located in coding exon 5 of the AXIN2 gene, results from a G to T substitution at nucleotide position 1711. The glycine at codon 571 is replaced by cysteine, an amino acid with highly dissimilar properties. This amino acid position is conserved. In addition, this alteration is predicted to be tolerated by in silico analysis. Based on the available evidence, the clinical significance of this variant remains unclear.

NM_004655.4(AXIN2):c.1711G>T (p.Gly571Cys)

Gene: AXIN2 (axin 2; minus strand). Cytogenetic location: 17q24.1.
Variant type: single nucleotide variant.
Coding change: c.1711G>T on transcript NM_004655.4 (MANE Select); coding-DNA position 1711, G replaced by T.
Protein change: p.Gly571Cys; replaces glycine 571 with cysteine.
Molecular consequence: missense variant.
Genome position (GRCh38, 1-based): chr17:65,537,325, C>A on the plus strand (G>T on the coding strand, the complement: AXIN2 is on the minus strand). VCF-style: chr17-65537325-C-A. GRCh37 (hg19) VCF-style: chr17-63533443-C-A.
Other names: c.1711G>T, p.Gly571Cys (NM_001363813.1); short protein forms G571C.
Identifiers: ClinVar variation 4867290 (VCV004867290.1).